The following is an entry in ClinVar:

ClinVar aggregate classification (germline): Uncertain significance (1 of 4 stars; one submission).

Allele frequency attached by ClinVar (database versions not stated): gnomAD 0.00003; ExAC 0.00002; gnomAD exomes 0.00002; TOPMed 0.00005.
gnomAD v4.1: 27 of 1,614,060 alleles (0.0017%); highest among the groups gnomAD compares: South Asian, 0.011%; no homozygotes.

Submission:

Labcorp Genetics (formerly Invitae), Labcorp
Classification: Uncertain significance. Last evaluated: 2022-08-23. Review status: criteria provided, single submitter. Criteria: Invitae Variant Classification Sherloc (09022015). Collection method: clinical testing. Allele origin: germline.
Comment: In summary, the available evidence is currently insufficient to determine the role of this variant in disease. Therefore, it has been classified as a Variant of Uncertain Significance. Algorithms developed to predict the effect of sequence changes on RNA splicing suggest that this variant is not likely to affect RNA splicing. ClinVar contains an entry for this variant (Variation ID: 1515115). This variant has not been reported in the literature in individuals affected with PCYT1A-related conditions. This variant is present in population databases (rs144959632, gnomAD 0.01%). This sequence change affects codon 236 of the PCYT1A mRNA. It is a 'silent' change, meaning that it does not change the encoded amino acid sequence of the PCYT1A protein. It affects a nucleotide within the consensus splice site.

NM_001312673.2(PCYT1A):c.708C>T (p.Asn236=)

Gene: PCYT1A (phosphate cytidylyltransferase 1A, choline; minus strand). Cytogenetic location: 3q29.
Variant type: single nucleotide variant.
Coding change: c.708C>T on transcript NM_001312673.2 (MANE Select); coding-DNA position 708, C replaced by T.
Protein change: p.Asn236=; no amino-acid change (asparagine 236 retained).
Molecular consequence: synonymous variant.
Genome position (GRCh38, 1-based): chr3:196,241,948, G>A on the plus strand (C>T on the coding strand, the complement: PCYT1A is on the minus strand). VCF-style: chr3-196241948-G-A. GRCh37 (hg19) VCF-style: chr3-195968819-G-A.
Other names: c.708C>T, p.Asn236= (NM_005017.4).
Identifiers: ClinVar variation 1515115 (VCV001515115.5), dbSNP rs144959632, ClinGen allele CA2779470.
Genomic context (GRCh38, chr3:196,241,948, plus strand): 5'-AGTGGGAGGTGATATGTCTCCTACAGAGTCAGGGAACTCTGGGGTAAGGCTGGAACTCAC[G>A]TTGATAAAGCTGACATTGAGCTCCTTTGCTGTGTAGCCCCTCTGCAGGTTCCGCCTCGCA-3'
Protein context (NP_001299602.1, residues 226-246): TAKELNVSFI[Asn236=]EKKYHLQERV